The following is an entry in ClinVar:

ClinVar aggregate classification (germline): Uncertain significance. Review status: criteria provided, multiple submitters, no conflicts (2 of 4 stars). 2 submissions from 2 submitters: Uncertain significance (2). Last evaluated 2026-06-25.

Conditions:
Inborn genetic diseases. Identifiers: MedGen C0950123, MeSH D030342.

Submissions (2):

Ambry Genetics
Classification: Uncertain significance for Inborn genetic diseases. Last evaluated: 2026-06-25. Review status: criteria provided, single submitter. Criteria: Ambry Variant Classification Scheme 2023. Collection method: clinical testing. Allele origin: germline.
Comment: The c.1733-3C>A intronic variant results from a C to A substitution 3 nucleotides upstream from coding exon 17 in the DDX41 gene. This nucleotide position is well conserved in available vertebrate species. In silico splice site analysis for this alteration is inconclusive. Based on the available evidence, the clinical significance of this variant remains unclear.

Labcorp Genetics (formerly Invitae), Labcorp
Classification: Uncertain significance. Last evaluated: 2024-09-27. Review status: criteria provided, single submitter. Criteria: Invitae Variant Classification Sherloc (09022015). Collection method: clinical testing. Allele origin: germline.
Comment: This sequence change falls in intron 16 of the DDX41 gene. It does not directly change the encoded amino acid sequence of the DDX41 protein. It affects a nucleotide within the consensus splice site. This variant is present in population databases (no rsID available, gnomAD 0.0009%). This variant has not been reported in the literature in individuals affected with DDX41-related conditions. Variants that disrupt the consensus splice site are a relatively common cause of aberrant splicing (PMID: 17576681, 9536098). Algorithms developed to predict the effect of sequence changes on RNA splicing suggest that this variant may disrupt the consensus splice site. In summary, the available evidence is currently insufficient to determine the role of this variant in disease. Therefore, it has been classified as a Variant of Uncertain Significance.

Literature cited by the submitters: PubMed 17576681 (cited by Labcorp Genetics (formerly Invitae), Labcorp); PubMed 9536098 (cited by Labcorp Genetics (formerly Invitae), Labcorp).

NM_016222.4(DDX41):c.1733-3C>A

Gene: DDX41 (DEAD-box helicase 41; minus strand). Cytogenetic location: 5q35.3.
Variant type: single nucleotide variant.
Coding change: c.1733-3C>A on transcript NM_016222.4 (MANE Select); 3 bases into the intron before coding-DNA position 1733, C replaced by A.
Molecular consequence: intron variant.
Genome position (GRCh38, 1-based): chr5:177,511,930, G>T on the plus strand (C>A on the coding strand, the complement: DDX41 is on the minus strand). VCF-style: chr5-177511930-G-T. GRCh37 (hg19) VCF-style: chr5-176938931-G-T.
Other names: c.1355-3C>A (NM_001321830.2, NM_001321732.2); c.1733-3C>A (NM_016222.2).
Identifiers: ClinVar variation 3611147 (VCV003611147.4).